The following is an entry in ClinVar:

NM_001378454.1(ALMS1):c.9907+160A>G

Gene: ALMS1 (ALMS1 centrosome and basal body associated protein; plus strand). Cytogenetic location: 2p13.1.
Variant type: single nucleotide variant.
Coding change: c.9907+160A>G on transcript NM_001378454.1 (MANE Select); 160 bases into the intron after coding-DNA position 9907, A replaced by G.
Molecular consequence: intron variant.
Genome position (GRCh38, 1-based): chr2:73,535,109, A>G. VCF-style: chr2-73535109-A-G. GRCh37 (hg19) VCF-style: chr2-73762236-A-G.
Other names: c.9907+160A>G (NM_015120.4); c.9910+160A>G (NM_015120.4).
Identifiers: ClinVar variation 677827 (VCV000677827.2), dbSNP rs10178678, ClinGen allele CA50350861.

ClinVar aggregate classification (germline): Benign. Review status: criteria provided, multiple submitters, no conflicts (2 of 4 stars). 2 submissions from 2 submitters: Benign (2). Last evaluated 2018-06-16.

Allele frequency attached by ClinVar (database versions not stated): 1000 Genomes Project 0.26398; 1000 Genomes Project 30x 0.27452; gnomAD 0.30231 and 0.31362; TOPMed 0.31388.
gnomAD v4.1: 45,850 of 152,066 alleles (30%); highest among the groups gnomAD compares: African/African-American, 53%; 8,483 homozygotes.

Submissions (2):

GeneDx
Classification: Benign. Last evaluated: 2018-06-16. Review status: criteria provided, single submitter. Criteria: GeneDx Variant Classification (06012015). Collection method: clinical testing. Allele origin: germline. Affected: yes.
Comment: This variant is considered likely benign or benign based on one or more of the following criteria: it is a conservative change, it occurs at a poorly conserved position in the protein, it is predicted to be benign by multiple in silico algorithms, and/or has population frequency not consistent with disease.

Breakthrough Genomics
Classification: Benign. Review status: criteria provided, single submitter. Criteria: ACMG Guidelines, 2015. Collection method: not provided. Allele origin: germline. Inheritance: Autosomal recessive inheritance. Affected: yes.